The following is an entry in ClinVar:

NM_003680.4(YARS1):c.906+1G>C

Genes: YARS1 (tyrosyl-tRNA synthetase 1; minus strand), LOC126805688 (BRD4-independent group 4 enhancer GRCh37_chr1:33251929-33253128; plus strand). Cytogenetic location: 1p35.1.
Variant type: single nucleotide variant.
Coding change: c.906+1G>C on transcript NM_003680.4 (MANE Select); the canonical splice donor site of the intron after coding-DNA position 906, G replaced by C.
Molecular consequence: splice donor variant.
Genome position (GRCh38, 1-based): chr1:32,786,361, C>G on the plus strand (G>C on the coding strand, the complement: YARS1 is on the minus strand). VCF-style: chr1-32786361-C-G. GRCh37 (hg19) VCF-style: chr1-33251962-C-G.
Identifiers: ClinVar variation 4527540 (VCV004527540.1).
Genomic context (GRCh38, chr1:32,786,361, plus strand): 5'-GTCAGCAAAAAATAACAAAATACAGATCTTCATGAAAGGATTCCTTTTCCTTTCATGTTA[C>G]CTCAGCAGCAAAGTCCTTTTCCAGGTCCACGTAAGCTGTGTAGGTTTTGTTTCCACCCCA-3'

ClinVar aggregate classification (germline): Uncertain significance (1 of 4 stars; one submission).

Submission:

GeneDx
Classification: Uncertain significance. Last evaluated: 2025-04-24. Review status: criteria provided, single submitter. Criteria: GeneDx Variant Classification Process June 2021. Collection method: clinical testing. Allele origin: germline. Affected: yes.
Comment: Not observed at significant frequency in large population cohorts (gnomAD); Canonical splice site variant in a gene or region of a gene for which loss of function is not a well-established mechanism of disease; Has not been previously published as pathogenic or benign to our knowledge